The following is an entry in ClinVar:

NM_015662.3(IFT172):c.1092A>T (p.Gly364=)

Gene: IFT172 (intraflagellar transport 172; minus strand). Cytogenetic location: 2p23.3.
Variant type: single nucleotide variant.
Coding change: c.1092A>T on transcript NM_015662.3 (MANE Select); coding-DNA position 1092, A replaced by T.
Protein change: p.Gly364=; no amino-acid change (glycine 364 retained).
Molecular consequence: synonymous variant.
Genome position (GRCh38, 1-based): chr2:27,478,070, T>A on the plus strand (A>T on the coding strand, the complement: IFT172 is on the minus strand). VCF-style: chr2-27478070-T-A. GRCh37 (hg19) VCF-style: chr2-27700937-T-A.
Other names: c.1092A>T, p.Gly364= (NM_001410739.1).
Identifiers: ClinVar variation 2000766 (VCV002000766.4), dbSNP rs575297457, ClinGen allele CA425413159.
Genomic context (GRCh38, chr2:27,478,070, plus strand): 5'-AGTGTTCAGGTCCCCCAGCAGCAGTGTTTCTGATGTGTGAGCCACCAAGTAACGTTCCTT[T>A]CCTAGGATTTTCACCTCTTCCACCTCATAGCCATAGTGTGACTTGAGCACCACTCGGGTT-3'
Protein context (NP_056477.1, residues 354-374): GYEVEEVKIL[Gly364=]KERYLVAHTS

ClinVar aggregate classification (germline): Uncertain significance (1 of 4 stars; one submission).

Conditions:
Short-rib thoracic dysplasia 10 with or without polydactyly (SRTD10). Identifiers: Orphanet 474, MedGen C3810175, MONDO:0014284, OMIM 615630.
Retinitis pigmentosa 71 (RP71). Identifiers: Orphanet 791, MedGen C4225342, MONDO:0014618, OMIM 616394.

Submission:

Labcorp Genetics (formerly Invitae), Labcorp
Classification: Uncertain significance for Retinitis pigmentosa 71; Short-rib thoracic dysplasia 10 with or without polydactyly. Last evaluated: 2022-05-29. Review status: criteria provided, single submitter. Criteria: Invitae Variant Classification Sherloc (09022015). Collection method: clinical testing. Allele origin: germline.
Comment: This sequence change affects codon 364 of the IFT172 mRNA. It is a 'silent' change, meaning that it does not change the encoded amino acid sequence of the IFT172 protein. This variant is not present in population databases (gnomAD no frequency). This variant has not been reported in the literature in individuals affected with IFT172-related conditions. Algorithms developed to predict the effect of sequence changes on RNA splicing suggest that this variant may disrupt the consensus splice site. In summary, the available evidence is currently insufficient to determine the role of this variant in disease. Therefore, it has been classified as a Variant of Uncertain Significance.